The following is an entry in ClinVar:

ClinVar aggregate classification (germline): Uncertain significance. Review status: criteria provided, single submitter (1 of 4 stars). 2 submissions from 2 submitters: Uncertain significance (1). 1 of the submissions does not count toward it. Last evaluated 2022-12-02.

Conditions:
Alport syndrome. Also called: Hemorrhagic familial nephritis; Hemorrhagic hereditary nephritis; Congenital hereditary hematuria. Identifiers: Orphanet 63, MedGen C1567741, MONDO:0018965.

Allele frequency attached by ClinVar (database versions not stated): ExAC 0.00001; gnomAD exomes 0.00001.
gnomAD v4.1: 3 of 1,614,034 alleles (0.00019%); highest among the groups gnomAD compares: East Asian, 0.0045%; no homozygotes.

Submissions (2):

GeneDx
Classification: Uncertain significance. Last evaluated: 2022-12-02. Review status: criteria provided, single submitter. Criteria: GeneDx Variant Classification Process June 2021. Collection method: clinical testing. Allele origin: germline. Affected: yes.
Comment: In silico analysis supports that this missense variant does not alter protein structure/function; Occurs in the triple helical domain at the X/ position in the canonical Gly-X-Y repeat; although this variant may have an effect on normal protein folding and function, missense substitution at the X position is not a common mechanism of disease; Has not been previously published as pathogenic or benign to our knowledge

Natera, Inc.
Classification: Uncertain significance for Alport syndrome. Last evaluated: 2019-10-28. Review status: no assertion criteria provided. Collection method: clinical testing. Allele origin: germline. Not counted in ClinVar's aggregate classification.

NM_000091.5(COL4A3):c.2750G>A (p.Ser917Asn)

Genes: COL4A3 (collagen type IV alpha 3 chain; plus strand), MFF-DT (MFF divergent transcript; minus strand). Cytogenetic location: 2q36.3.
Variant type: single nucleotide variant.
Coding change: c.2750G>A on transcript NM_000091.5 (MANE Select); coding-DNA position 2750, G replaced by A.
Protein change: p.Ser917Asn; replaces serine 917 with asparagine.
Molecular consequence: missense variant.
Genome position (GRCh38, 1-based): chr2:227,284,214, G>A. VCF-style: chr2-227284214-G-A. GRCh37 (hg19) VCF-style: chr2-228148930-G-A.
Other names: short protein forms S917N.
Identifiers: ClinVar variation 421799 (VCV000421799.4), dbSNP rs773119622, ClinGen allele CA2147023.